The following is an entry in ClinVar:

NM_001367721.1(CASK):c.2311A>G (p.Ile771Val)

Gene: CASK (calcium/calmodulin dependent serine protein kinase; minus strand). Cytogenetic location: Xp11.4.
Variant type: single nucleotide variant.
Coding change: c.2311A>G on transcript NM_001367721.1 (MANE Select); coding-DNA position 2311, A replaced by G.
Protein change: p.Ile771Val; replaces isoleucine 771 with valine.
Molecular consequence: missense variant.
Genome position (GRCh38, 1-based): chrX:41,534,712, T>C on the plus strand (A>G on the coding strand, the complement: CASK is on the minus strand). VCF-style: chrX-41534712-T-C. GRCh37 (hg19) VCF-style: chrX-41393965-T-C.
Other names: c.2227A>G, p.Ile743Val (NM_001126054.3); c.2224A>G, p.Ile742Val (NM_001126055.3); c.2293A>G, p.Ile765Val (NM_001410745.1); c.2296A>G, p.Ile766Val (NM_003688.4); short protein forms I742V, I743V, I765V, I766V, I771V.
Identifiers: ClinVar variation 3377323 (VCV003377323.1).

ClinVar aggregate classification (germline): Uncertain significance (1 of 4 stars; one submission).

Conditions:
FG syndrome 4 (FGS4). Identifiers: MedGen C1845546, MONDO:0010318, OMIM 300422.

gnomAD v4.1: 1 of 1,197,369 alleles (0.000084%); highest among the groups gnomAD compares: South Asian, 0.0018%; no homozygotes.

Submission:

Victorian Clinical Genetics Services, Murdoch Childrens Research Institute
Classification: Uncertain significance for FG syndrome 4. Last evaluated: 2025-12-01. Review status: criteria provided, single submitter. Criteria: ACMG Guidelines, 2015. Collection method: clinical testing. Allele origin: germline. Affected: yes.
Comment: This variant is classified as VUS-3C. Evidence in support of pathogenic classification: Variant is present in gnomAD <0.001 for a dominant condition (v4: 0 heterozygote(s), 0 homozygote(s), 1 hemizygote(s)). Evidence in support of benign classification: Missense variant predicted to be tolerated by in silico tool(s) or not conserved in placental mammals with a minor amino acid change. Additional information: Variant is predicted to result in a missense amino acid change from isoleucine to valine; This variant is hemizygous; This gene is associated with X-linked disease. However, intellectual developmental disorder, with or without nystagmus (MIM#300422) is associated with hypomorphic variants that typically cause symptoms in hemizygous males but not in heterozygous females (PMID: 24278995); This variant has no previous evidence of pathogenicity; No published segregation evidence has been identified for this variant; No published functional evidence has been identified for this variant; No comparable missense variants have previous evidence for pathogenicity; Variant is located in the annotated guanylate kinase domain (DECIPHER); Loss of function is a known mechanism of disease in this gene and is associated with intellectual developmental disorder and microcephaly with pontine and cerebellar hypoplasia (MIM#300749), intellectual disability with or without nystagmus (MIM#300422) and FG syndrome 4 (MIM#300422).

Literature cited by the submitters: PubMed 24278995.